The following is an entry in ClinVar:

NM_002156.5(HSPD1):c.273A>G (p.Lys91=)

Gene: HSPD1 (heat shock protein family D (Hsp60) member 1; minus strand). Cytogenetic location: 2q33.1.
Variant type: single nucleotide variant.
Coding change: c.273A>G on transcript NM_002156.5 (MANE Select); coding-DNA position 273, A replaced by G.
Protein change: p.Lys91=; no amino-acid change (lysine 91 retained).
Molecular consequence: synonymous variant.
Genome position (GRCh38, 1-based): chr2:197,497,294, T>C on the plus strand (A>G on the coding strand, the complement: HSPD1 is on the minus strand). VCF-style: chr2-197497294-T-C. GRCh37 (hg19) VCF-style: chr2-198362018-T-C.
Other names: p.K91K:AAA>AAG; p.Lys91=; c.273A>G, p.Lys91= (NM_199440.2).
Identifiers: ClinVar variation 129241 (VCV000129241.34), dbSNP rs8539, ClinGen allele CA288908.

ClinVar aggregate classification (germline): Benign. Review status: criteria provided, multiple submitters, no conflicts (2 of 4 stars). 12 submissions from 11 submitters: Benign (9). 3 of the submissions do not count toward it. Last evaluated 2026-02-04.

Conditions:
Spastic paraplegia. Identifiers: MedGen C0037772, HP:0001258.
Hereditary spastic paraplegia. Also called: Familial spastic paraparesis. Identifiers: Orphanet 685, MedGen C0037773, MONDO:0019064. Disease mechanism: loss of function.
Hereditary spastic paraplegia 13 (SPG13). Also called: Spastic paraplegia 13; SPASTIC PARAPLEGIA 13, AUTOSOMAL DOMINANT. Identifiers: Orphanet 100994, MedGen C1854467, MONDO:0011532, OMIM 605280.
Leukodystrophy, hypomyelinating, 4. Also called: MITCHAP60 DISEASE; MITOCHONDRIAL HSP60 CHAPERONOPATHY. Identifiers: Orphanet 280270, Orphanet 280288, MedGen C2677109, MONDO:0012824, OMIM 612233.

Allele frequency attached by ClinVar (database versions not stated): gnomAD exomes 0.63943 and 0.66559; ExAC 0.64901; 1000 Genomes Project 0.65455; 1000 Genomes Project 30x 0.65896; gnomAD 0.67024 and 0.67099; TOPMed 0.67557; ESP Exome Variant Server 0.69537.
gnomAD v4.1: 1,074,363 of 1,612,620 alleles (67%); highest among the groups gnomAD compares: Middle Eastern, 84%; 360,608 homozygotes.

Submissions (12):

Labcorp Genetics (formerly Invitae), Labcorp
Classification: Benign for Spastic paraplegia. Last evaluated: 2026-02-04. Review status: criteria provided, single submitter. Criteria: Invitae Variant Classification Sherloc (09022015). Collection method: clinical testing. Allele origin: germline.

Mayo Clinic Laboratories, Mayo Clinic
Classification: Benign. Last evaluated: 2022-10-27. Review status: criteria provided, single submitter. Criteria: ACMG Guidelines, 2015. Collection method: clinical testing. Allele origin: germline. Observed: 1,992 variant alleles.

Genome-Nilou Lab
Classification: Benign for Leukodystrophy, hypomyelinating, 4. Last evaluated: 2021-08-10. Review status: criteria provided, single submitter. Criteria: ACMG Guidelines, 2015. Collection method: clinical testing. Allele origin: germline. Affected: no.

Genome-Nilou Lab
Classification: Benign for Hereditary spastic paraplegia 13. Last evaluated: 2021-08-10. Review status: criteria provided, single submitter. Criteria: ACMG Guidelines, 2015. Collection method: clinical testing. Allele origin: germline. Affected: no.

Illumina Laboratory Services, Illumina
Classification: Benign for Hereditary spastic paraplegia 13. Last evaluated: 2018-01-13. Review status: criteria provided, single submitter. Criteria: ICSL Variant Classification Criteria 13 December 2019. Collection method: clinical testing. Allele origin: germline.
Comment: This variant was observed in the ICSL laboratory as part of a predisposition screen in an ostensibly healthy population. It had not been previously curated by ICSL or reported in the Human Gene Mutation Database (HGMD: prior to June 1st, 2018), and was therefore a candidate for classification through an automated scoring system. Utilizing variant allele frequency, disease prevalence and penetrance estimates, and inheritance mode, an automated score was calculated to assess if this variant is too frequent to cause the disease. Based on the score and internal cut-off values, a variant classified as benign is not then subjected to further curation. The score for this variant resulted in a classification of benign for this disease.

Genome Diagnostics Laboratory, The Hospital for Sick Children
Classification: Benign for Hereditary spastic paraplegia. Last evaluated: 2016-12-12. Review status: criteria provided, single submitter. Criteria: ACMG Guidelines, 2015. Collection method: clinical testing. Allele origin: germline. Affected: yes.

Laboratory for Molecular Medicine, Mass General Brigham Personalized Medicine
Classification: Benign. Last evaluated: 2016-03-28. Review status: criteria provided, single submitter. Criteria: LMM Criteria. Collection method: clinical testing. Allele origin: germline.
Comment: Variant identified in a genome or exome case(s) and assessed due to predicted null impact of the variant or pathogenic assertions in the literature or databases. Disclaimer: This variant has not undergone full assessment. The following are preliminary notes: 65% of total chromosomes in ExAC

GeneDx
Classification: Benign. Last evaluated: 2013-09-05. Review status: criteria provided, single submitter. Criteria: GeneDx Variant Classification (06012015). Collection method: clinical testing. Allele origin: germline. Affected: yes.
Comment: This variant is considered likely benign or benign based on one or more of the following criteria: it is a conservative change, it occurs at a poorly conserved position in the protein, it is predicted to be benign by multiple in silico algorithms, and/or has population frequency not consistent with disease.

Breakthrough Genomics
Classification: Benign. Review status: criteria provided, single submitter. Criteria: ACMG Guidelines, 2015. Collection method: not provided. Allele origin: germline. Inheritance: Autosomal recessive inheritance. Affected: yes.

Diagnostic Laboratory, Department of Genetics, University Medical Center Groningen
Classification: Benign. Review status: no assertion criteria provided. Collection method: clinical testing. Allele origin: germline. Affected: yes. Study: VKGL Data-share Consensus. Not counted in ClinVar's aggregate classification.

Genetic Services Laboratory, University of Chicago
Classification: Likely benign for AllHighlyPenetrant. Review status: no assertion criteria provided. Collection method: clinical testing. Allele origin: germline. Not counted in ClinVar's aggregate classification.
Comment: Likely benign based on allele frequency in 1000 Genomes Project or ESP global frequency and its presence in a patient with a rare or unrelated disease phenotype. NOT Sanger confirmed.

Joint Genome Diagnostic Labs from Nijmegen and Maastricht, Radboudumc and MUMC+
Classification: Benign. Review status: no assertion criteria provided. Collection method: clinical testing. Allele origin: germline. Affected: yes. Study: VKGL Data-share Consensus. Not counted in ClinVar's aggregate classification.